The following is an entry in ClinVar:

NM_176824.3(BBS7):c.541A>C (p.Met181Leu)

Gene: BBS7 (Bardet-Biedl syndrome 7; minus strand). Cytogenetic location: 4q27.
Variant type: single nucleotide variant.
Coding change: c.541A>C on transcript NM_176824.3 (MANE Select); coding-DNA position 541, A replaced by C.
Protein change: p.Met181Leu; replaces methionine 181 with leucine.
Molecular consequence: missense variant.
Genome position (GRCh38, 1-based): chr4:121,855,549, T>G on the plus strand (A>C on the coding strand, the complement: BBS7 is on the minus strand). VCF-style: chr4-121855549-T-G. GRCh37 (hg19) VCF-style: chr4-122776704-T-G.
Other names: c.541A>C, p.Met181Leu (NM_018190.4); short protein forms M181L.
Identifiers: ClinVar variation 3133173 (VCV003133173.2), dbSNP rs761537531, ClinGen allele CA3064480.
Genomic context (GRCh38, chr4:121,855,549, plus strand): 5'-CGCCATTTCCATTGTGTAGTGCTAAGACAGTAGGGGGTCCAGGAACTTCAACTGCATACA[T>G]CACATCAGATCCCTGAAGGAGAAGTATTTAAAAACTGAAACAGAATACAAACTGAAAATA-3'
Protein context (NP_789794.1, residues 171-191): VLRVLQGSDV[Met181Leu]YAVEVPGPPT

ClinVar aggregate classification (germline): Uncertain significance. Review status: criteria provided, single submitter (1 of 4 stars). 2 submissions from 2 submitters: Uncertain significance (1). 1 of the submissions does not count toward it. Last evaluated 2024-02-27.

Conditions:
Inborn genetic diseases. Identifiers: MedGen C0950123, MeSH D030342.
BBS7-related disorder. Also called: BBS7-related condition.

Allele frequency attached by ClinVar (database versions not stated): gnomAD exomes below 0.00001; ExAC 0.00001; gnomAD 0.00001; TOPMed 0.00001.

Submissions (2):

Ambry Genetics
Classification: Uncertain significance for Inborn genetic diseases. Last evaluated: 2024-02-27. Review status: criteria provided, single submitter. Criteria: Ambry Variant Classification Scheme 2023. Collection method: clinical testing. Allele origin: germline.

PreventionGenetics, part of Exact Sciences
Classification: Uncertain significance for BBS7-related condition. Last evaluated: 2024-06-19. Review status: no assertion criteria provided. Collection method: clinical testing. Allele origin: germline. Not counted in ClinVar's aggregate classification.
Comment: The BBS7 c.541A>C variant is predicted to result in the amino acid substitution p.Met181Leu. To our knowledge, this variant has not been reported in the literature. This variant is reported in 0.00088% of alleles in individuals of European (Non-Finnish) descent in gnomAD. At this time, the clinical significance of this variant is uncertain due to the absence of conclusive functional and genetic evidence.